The following is an entry in ClinVar:

ClinVar aggregate classification (germline): Conflicting classifications of pathogenicity. Review status: criteria provided, conflicting classifications (1 of 4 stars). 4 submissions from 4 submitters: Uncertain significance (3); Likely benign (1). Last evaluated 2026-08-06.

Conditions:
Xanthinuria type II. Also called: Xanthine dehydrogenase and aldehyde oxidase combined deficiency of; XDH and AOX dual deficiency. Identifiers: Orphanet 3467, Orphanet 93602, MedGen C1863688, MONDO:0011346, OMIM 603592.

Allele frequency attached by ClinVar (database versions not stated): gnomAD exomes 0.00002 and 0.00007; ExAC 0.00007; 1000 Genomes Project 30x 0.00016; 1000 Genomes Project 0.00020; gnomAD 0.00022 and 0.00025; ESP Exome Variant Server 0.00023; TOPMed 0.00031.
gnomAD v4.1: 70 of 1,614,234 alleles (0.0043%); highest among the groups gnomAD compares: African/African-American, 0.049%; no homozygotes.

Submissions (4):

OLLIN Analises Genomicas, OLLIN
Classification: Uncertain significance for Xanthinuria type II. Last evaluated: 2026-08-06. Review status: criteria provided, single submitter. Criteria: ACMG Guidelines 2015 PMID 25741868. Collection method: clinical testing. Allele origin: germline.
Comment: This missense variant, located in exon 8 (of 15), has been reported in ClinVar (accession VCV001000902.8) and in gnomAD with an allele frequency of 0.0043%. However, to our knowledge, it has not been reported in the scientific literature. In silico analysis predicts that this variant has a tolerated effect. According to the currently available evidence, this variant has been classified as uncertain significance (PM2_P, BP4_M).

Fulgent Genetics
Classification: Uncertain significance for Xanthinuria type II. Last evaluated: 2024-06-18. Review status: criteria provided, single submitter. Criteria: ACMG Guidelines, 2015. Collection method: clinical testing. Allele origin: germline.

Ambry Genetics
Classification: Likely benign. Last evaluated: 2024-01-02. Review status: criteria provided, single submitter. Criteria: Ambry Variant Classification Scheme 2023. Collection method: clinical testing. Allele origin: germline.

Labcorp Genetics (formerly Invitae), Labcorp
Classification: Uncertain significance for Xanthinuria type II. Last evaluated: 2022-08-07. Review status: criteria provided, single submitter. Criteria: Invitae Variant Classification Sherloc (09022015). Collection method: clinical testing. Allele origin: germline.
Comment: This sequence change replaces arginine, which is basic and polar, with cysteine, which is neutral and slightly polar, at codon 527 of the MOCOS protein (p.Arg527Cys). This variant is present in population databases (rs200725272, gnomAD 0.07%). This variant has not been reported in the literature in individuals affected with MOCOS-related conditions. ClinVar contains an entry for this variant (Variation ID: 1000902). Algorithms developed to predict the effect of missense changes on protein structure and function output the following: SIFT: "Tolerated"; PolyPhen-2: "Benign"; Align-GVGD: "Class C0". The cysteine amino acid residue is found in multiple mammalian species, which suggests that this missense change does not adversely affect protein function. In summary, the available evidence is currently insufficient to determine the role of this variant in disease. Therefore, it has been classified as a Variant of Uncertain Significance.

NM_017947.4(MOCOS):c.1579C>T (p.Arg527Cys)

Gene: MOCOS (molybdenum cofactor sulfurase; plus strand). Cytogenetic location: 18q12.2.
Variant type: single nucleotide variant.
Coding change: c.1579C>T on transcript NM_017947.4 (MANE Select); coding-DNA position 1579, C replaced by T.
Protein change: p.Arg527Cys; replaces arginine 527 with cysteine.
Molecular consequence: missense variant.
Genome position (GRCh38, 1-based): chr18:36,215,759, C>T. VCF-style: chr18-36215759-C-T. GRCh37 (hg19) VCF-style: chr18-33795722-C-T.
Other names: c.1579C>T (NM_017947.2); short protein forms R527C.
Identifiers: ClinVar variation 1000902 (VCV001000902.9), dbSNP rs200725272, ClinGen allele CA8940770.